The following is an entry in ClinVar:

NM_138295.5(PKD1L1):c.4189C>G (p.Arg1397Gly)

Gene: PKD1L1 (polycystin 1 like 1, transient receptor potential channel interacting; minus strand). Cytogenetic location: 7p12.3.
Variant type: single nucleotide variant.
Coding change: c.4189C>G on transcript NM_138295.5 (MANE Select); coding-DNA position 4189, C replaced by G.
Protein change: p.Arg1397Gly; replaces arginine 1397 with glycine.
Molecular consequence: missense variant.
Genome position (GRCh38, 1-based): chr7:47,858,846, G>C on the plus strand (C>G on the coding strand, the complement: PKD1L1 is on the minus strand). VCF-style: chr7-47858846-G-C. GRCh37 (hg19) VCF-style: chr7-47898444-G-C.
Other names: short protein forms R1397G.
Identifiers: ClinVar variation 4744638 (VCV004744638.1).

ClinVar aggregate classification (germline): Uncertain significance (1 of 4 stars; one submission).

gnomAD v4.1: 7 of 1,614,000 alleles (0.00043%); highest among the groups gnomAD compares: East Asian, 0.0022%; no homozygotes.

Submission:

Labcorp Genetics (formerly Invitae), Labcorp
Classification: Uncertain significance. Last evaluated: 2025-10-09. Review status: criteria provided, single submitter. Criteria: Invitae Variant Classification Sherloc (09022015). Collection method: clinical testing. Allele origin: germline.
Comment: This sequence change replaces arginine, which is basic and polar, with glycine, which is neutral and non-polar, at codon 1397 of the PKD1L1 protein (p.Arg1397Gly). This variant is not present in population databases (gnomAD no frequency). This variant has not been reported in the literature in individuals affected with PKD1L1-related conditions. Invitae Evidence Modeling of protein sequence and biophysical properties (such as structural, functional, and spatial information, amino acid conservation, physicochemical variation, residue mobility, and thermodynamic stability) indicates that this missense variant is not expected to disrupt PKD1L1 protein function with a negative predictive value of 80%. In summary, the available evidence is currently insufficient to determine the role of this variant in disease. Therefore, it has been classified as a Variant of Uncertain Significance.